The following is an entry in ClinVar:

NM_001943.5(DSG2):c.2360A>C (p.Asp787Ala)

Genes: DSG2 (desmoglein 2; plus strand), DSG2-AS1 (DSG2 antisense RNA 1; minus strand). Cytogenetic location: 18q12.1.
Variant type: single nucleotide variant.
Coding change: c.2360A>C on transcript NM_001943.5 (MANE Select); coding-DNA position 2360, A replaced by C.
Protein change: p.Asp787Ala; replaces aspartic acid 787 with alanine.
Molecular consequence: missense variant. On other transcripts: non-coding transcript variant (1).
Genome position (GRCh38, 1-based): chr18:31,545,746, A>C. VCF-style: chr18-31545746-A-C. GRCh37 (hg19) VCF-style: chr18-29125709-A-C.
Other names: short protein forms D787A.
Identifiers: ClinVar variation 629739 (VCV000629739.2), dbSNP rs369868954, ClinGen allele CA402144399.

ClinVar aggregate classification (germline): Uncertain significance (1 of 4 stars; one submission).

Conditions:
Cardiomyopathy (CMYO). Also called: Cardiomyopathies. Identifiers: Orphanet 167848, MedGen C0878544, MONDO:0004994, HP:0001638. Inheritance: Various modes of inheritance.

Submission:

Color Diagnostics, LLC DBA Color Health
Classification: Uncertain significance for Cardiomyopathy. Last evaluated: 2018-10-29. Review status: criteria provided, single submitter. Criteria: ACMG Guidelines, 2015. Collection method: clinical testing. Allele origin: germline.
Comment: Variant of Uncertain Significance due to insufficient evidence: This missense variant is located in the cytoplasmic domain of the DSG2 protein. Computational prediction tools and conservation analyses suggest that this variant may have deleterious impact on the protein function. Computational splicing tools suggest that this variant may not impact RNA splicing. To our knowledge, functional assays have not been performed for this variant nor has this variant been reported in individuals affected with cardiovascular disorders in the literature. This variant is rare in the general population and has been identified in 0/277264 chromosomes by the Genome Aggregation Database (gnomAD). Available evidence is insufficient to determine the pathogenicity of this variant conclusively.